The following is an entry in ClinVar:

NM_000132.4(F8):c.5399G>A (p.Arg1800His)

Gene: F8 (coagulation factor VIII; minus strand). Cytogenetic location: Xq28.
Variant type: single nucleotide variant.
Coding change: c.5399G>A on transcript NM_000132.4 (MANE Select); coding-DNA position 5399, G replaced by A.
Protein change: p.Arg1800His; replaces arginine 1800 with histidine.
Molecular consequence: missense variant.
Genome position (GRCh38, 1-based): chrX:154,904,998, C>T on the plus strand (G>A on the coding strand, the complement: F8 is on the minus strand). VCF-style: chrX-154904998-C-T. GRCh37 (hg19) VCF-style: chrX-154133273-C-T.
Other names: F8, ARG1781HIS; R1781H; NM_000132.4(F8):c.5399G>A; short protein forms R1800H.
Identifiers: ClinVar variation 10274 (VCV000010274.22), dbSNP rs137852442, ClinGen allele CA255162.
Genomic context (GRCh38, chrX:154,904,998, plus strand): 5'-TCTGCTCCTTGCCTCTGATCTTCCTCATAAGAAATAAGGCTAGAATAGAAGGAATAGGGA[C>T]GAGAGGCCTGATTTCTGAAAGTTACCTGTAGAACAATAACGACAAAAAAAAAAAAGCAAG-3'
Protein context (NP_000123.1, residues 1790-1810): IMVTFRNQAS[Arg1800His]PYSFYSSLIS

ClinVar aggregate classification (germline): Pathogenic. Review status: reviewed by expert panel (3 of 4 stars). 11 submissions from 11 submitters: Pathogenic (1). 10 of the submissions do not count toward it. Last evaluated 2024-02-02.

Conditions:
Factor VIII deficiency. Identifiers: MedGen C3494187, OMIM 134500.
F8-related disorder. Also called: F8-related condition.
Hereditary factor VIII deficiency disease (HEMA). Also called: AUTOSOMAL HEMOPHILIA A; Hemophilia A, congenital; HEM A; Factor 8 deficiency, congenital; Hemophilia A; HEMOPHILIA, CLASSIC. Identifiers: Orphanet 98878, MedGen C0019069, MONDO:0010602, OMIM 306700.

Allele frequency attached by ClinVar (database versions not stated): gnomAD exomes below 0.00001.
gnomAD v4.1: 1 of 1,203,674 alleles (0.000083%); highest among the groups gnomAD compares: Non-Finnish European, 0.00011%; no homozygotes.

Submissions (11):

ClinGen Coagulation Factor Deficiency Variant Curation Expert Panel, Clingen
Classification: Pathogenic for Hereditary factor VIII deficiency disease. Last evaluated: 2024-02-02. Review status: reviewed by expert panel. Criteria: ClinGen CoagFactor ACMG Specifications F8 V1.0.0. Collection method: curation. Allele origin: germline. Inheritance: X-linked inheritance.
Comment: The NM_000132.4(F8):c.5399G>A (p.Arg1800His) variant is completely absent from gnomAD v2.1.1 and gnomAD v3.1.2, meeting the PM2_Supporting criteria. More than 17 individuals in the literature and 40 in the internal laboratory data are observed with hemophilia A ranging from mild to severe carrying the Arg1800His variant. More cases are available in the literature (EAHAD database reports 76 individuals); however, the threshold for PS4_VeryStrong (>8) and PP4_Moderate have been reached. This variant has been associated with discrepant factor VIII activity levels (PMID: 32232366). This variant has also been associated with inhibitor development to factor replacement therapy (CDC CHAMPS/EAHAD databases). The c.5399G>A (p.Arg1800His) missense variant has a REVEL score of 0.96 (>0.6), which meets the PP3 criteria. In summary, this variant meets criteria to be classified as pathogenic. ACMG/AMP criteria applied, as specified by the Coagulation Factor Deficiency Variant Curation Expert Panel for F8: PS4_VeryStrong, PP4_Moderate, PP3, PM2_Supporting.

Department of Pediatrics, Duzce University
Classification: Pathogenic for Hereditary factor VIII deficiency disease. Last evaluated: 2026-07-12. Review status: criteria provided, single submitter. Criteria: ACMG Guidelines, 2015. Collection method: research. Allele origin: germline. Inheritance: X-linked recessive inheritance. Affected: yes. Observed: 1 variant allele, 1 hemizygote. Not counted in ClinVar's aggregate classification.
Comment: Hemizygous; rs137852442; reported in hemophilia A (typically mild-moderate). Concordant with clinical hemophilia A.

North West Genomic Laboratory Hub, Manchester University NHS Foundation Trust
Classification: Pathogenic for Factor VIII deficiency. Last evaluated: 2026-06-11. Review status: criteria provided, single submitter. Criteria: ACGS Best Practice Guidelines for Variant Classification in Rare Disease 2024. Collection method: clinical testing. Allele origin: germline. Affected: yes. Not counted in ClinVar's aggregate classification.
Comment: PP4_Mod PS4_VStr PM2_Supp PP3_Supp

GeneDx
Classification: Pathogenic. Last evaluated: 2025-04-23. Review status: criteria provided, single submitter. Criteria: GeneDx Variant Classification Process June 2021. Collection method: clinical testing. Allele origin: germline. Affected: yes. Not counted in ClinVar's aggregate classification.
Comment: Published functional studies suggest a damaging effect: presence of R1800H resulted in a relative enhancement in association between FVIIIa and FX (PMID: 23467620); Not observed at significant frequency in large population cohorts (gnomAD); In silico analysis supports that this missense variant has a deleterious effect on protein structure/function; In silico analysis supports a deleterious effect on splicing; Also known as p.R1781H; This variant is associated with the following publications: (PMID: 27292088, 1908096, 19473423, 19817879, 34426522, 33706050, 33245802, 32897612, 30507053, 23467620)

Women's Health and Genetics/Laboratory Corporation of America, LabCorp
Classification: Pathogenic for Hereditary factor VIII deficiency disease. Last evaluated: 2024-11-19. Review status: criteria provided, single submitter. Criteria: LabCorp Variant Classification Summary - May 2015. Collection method: clinical testing. Allele origin: germline. Not counted in ClinVar's aggregate classification.
Comment: Variant summary: F8 c.5399G>A (p.Arg1800His) results in a non-conservative amino acid change located in the Cupredoxins domain of the encoded protein sequence. Five of five in-silico tools predict a damaging effect of the variant on protein function. The variant was absent in 181798 control chromosomes. c.5399G>A has been reported in the literature in multiple individuals affected with Factor VIII Deficiency (Hemophilia A) (example: Eckhardt_2013, Shinozawa_2020). These data indicate that the variant is very likely to be associated with disease. A different variant affecting the same codon has been classified as pathogenic by our lab (c.5398C>G,p.Arg1800Gly), supporting the critical relevance of codon 1800 to F8 protein function. The following publications have been ascertained in the context of this evaluation (PMID: 23926300, 33254277). ClinVar contains an entry for this variant (Variation ID: 10274). Based on the evidence outlined above, the variant was classified as pathogenic.

Mayo Clinic Laboratories, Mayo Clinic
Classification: Likely pathogenic. Last evaluated: 2023-12-19. Review status: criteria provided, single submitter. Criteria: ACMG Guidelines, 2015. Collection method: clinical testing. Allele origin: germline. Observed: 2 variant alleles. Not counted in ClinVar's aggregate classification.
Comment: PP3, PP4, PP5, PM2_moderate, PS4_moderate

PreventionGenetics, part of Exact Sciences
Classification: Pathogenic for F8-related condition. Last evaluated: 2022-10-31. Review status: criteria provided, single submitter. Criteria: ACMG Guidelines, 2015. Collection method: clinical testing. Allele origin: germline. Not counted in ClinVar's aggregate classification.
Comment: The F8 c.5399G>A variant is predicted to result in the amino acid substitution p.Arg1800His. This variant, also described using legacy nomenclature as p.Arg1781His, has been reported in individuals with moderate to severe Hemophilia A (Higuchi et al. 1991. PubMed ID: 1908096; Casaña et al. 2008. PubMed ID: 18403393; Yada et al. 2013. PubMed ID: 23467620; Kars et al. 2021. PubMed ID: 34426522. Dataset S4; Factor VIII variant database). This variant has not been reported in a large population database, indicating this variant is rare. This variant is interpreted as pathogenic.

ARUP Laboratories, Molecular Genetics and Genomics, ARUP Laboratories
Classification: Pathogenic for Hereditary factor VIII deficiency disease. Last evaluated: 2019-08-13. Review status: criteria provided, single submitter. Criteria: ARUP Molecular Germline Variant Investigation Process. Collection method: clinical testing. Allele origin: germline. Not counted in ClinVar's aggregate classification.
Comment: The F8 c.5399G>A; p.Arg1800His variant (rs137852442), also known as p.Arg1781His using alternative nomenclature, has been reported in multiple patients with moderate to severe hemophilia A (Casana 2008, Higuchi 1991, Yada 2013, Factor VIII variant database). This variant is absent from general population databases (Exome Variant Server, Genome Aggregation Database), indicating it is not a common polymorphism. The arginine at codon 1800 is highly conserved, and computational algorithms (PolyPhen-2, SIFT) predict that this variant is deleterious. These predictions are consistent with activity measurements of patient samples with this variant, which exhibit 1-10% of normal clotting activity (Factor VIII variant database). Additionally, other amino acid substitutions at this codon (Cys, Gly, Leu, and Pro) have been reported in individuals with hemophilia A and are considered disease-causing (Factor VIII variant database). Based on available information, the p.Arg1800His variant is classified as pathogenic. References: Factor VIII variant database: Casana P et al. Severe and moderate hemophilia A: identification of 38 new genetic alterations. Haematologica. 2008 Jul;93(7):1091-4. Higuchi M et al. Molecular characterization of severe hemophilia A suggests that about half the mutations are not within the coding regions and splice junctions of the factor VIII gene. Proc Natl Acad Sci U S A. 1991; 88(16):7405-9. Yada K et al. The mild phenotype in severe hemophilia A with Arg1781His mutation is associated with enhanced binding affinity of factor VIII for factor X. Thromb Haemost. 2013; 109(6):1007-15.

OMIM
Classification: Pathogenic for HEMOPHILIA A. Last evaluated: 1995-01-01. Review status: no assertion criteria provided. Collection method: literature only. Allele origin: germline. Not counted in ClinVar's aggregate classification.

Genome Diagnostics Laboratory, University Medical Center Utrecht
Classification: Pathogenic. Review status: no assertion criteria provided. Collection method: clinical testing. Allele origin: germline. Affected: yes. Study: VKGL Data-share Consensus. Not counted in ClinVar's aggregate classification.

Joint Genome Diagnostic Labs from Nijmegen and Maastricht, Radboudumc and MUMC+
Classification: Pathogenic. Review status: no assertion criteria provided. Collection method: clinical testing. Allele origin: germline. Affected: yes. Study: VKGL Data-share Consensus. Not counted in ClinVar's aggregate classification.

Literature cited by the submitters: PubMed 23926300 (cited by Women's Health and Genetics/Laboratory Corporation of America, LabCorp); PubMed 33254277 (cited by Women's Health and Genetics/Laboratory Corporation of America, LabCorp); PubMed 12871415 (cited by Mayo Clinic Laboratories, Mayo Clinic); PubMed 16972227 (cited by Mayo Clinic Laboratories, Mayo Clinic); PubMed 18387975 (cited by Mayo Clinic Laboratories, Mayo Clinic); PubMed 1908096 (cited by Mayo Clinic Laboratories, Mayo Clinic and OMIM); PubMed 19473423 (cited by Mayo Clinic Laboratories, Mayo Clinic); PubMed 23467620 (cited by Mayo Clinic Laboratories, Mayo Clinic); PubMed 29296726 (cited by Mayo Clinic Laboratories, Mayo Clinic); PubMed 30507053 (cited by Mayo Clinic Laboratories, Mayo Clinic); PubMed 32897612 (cited by Mayo Clinic Laboratories, Mayo Clinic); PubMed 33706050 (cited by Mayo Clinic Laboratories, Mayo Clinic); PubMed 7728145 (cited by OMIM).